The following is an entry in ClinVar:

ClinVar aggregate classification (germline): Uncertain significance (1 of 4 stars; one submission).

Conditions:
Severe combined immunodeficiency due to DNA-PKcs deficiency. Also called: IMMUNODEFICIENCY 26 WITH NEUROLOGIC ABNORMALITIES; Immunodeficiency 26 with or without neurologic abnormalities. Identifiers: Orphanet 317425, MedGen C4014833, MONDO:0014423, OMIM 615966.

Submission:

Labcorp Genetics (formerly Invitae), Labcorp
Classification: Uncertain significance for Severe combined immunodeficiency due to DNA-PKcs deficiency. Last evaluated: 2018-12-23. Review status: criteria provided, single submitter. Criteria: Invitae Variant Classification Sherloc (09022015). Collection method: clinical testing. Allele origin: germline.
Comment: In summary, the available evidence is currently insufficient to determine the role of this variant in disease. Therefore, it has been classified as a Variant of Uncertain Significance. Algorithms developed to predict the effect of missense changes on protein structure and function (SIFT, PolyPhen-2, Align-GVGD) all suggest that this variant is likely to be tolerated, but these predictions have not been confirmed by published functional studies and their clinical significance is uncertain. This variant has not been reported in the literature in individuals with PRKDC-related conditions. This variant is not present in population databases (ExAC no frequency). This sequence change replaces glutamic acid with glutamine at codon 3838 of the PRKDC protein (p.Glu3838Gln). The glutamic acid residue is weakly conserved and there is a small physicochemical difference between glutamic acid and glutamine.

NM_006904.7(PRKDC):c.11512G>C (p.Glu3838Gln)

Gene: PRKDC (protein kinase, DNA-activated, catalytic subunit; minus strand). Cytogenetic location: 8q11.21.
Variant type: single nucleotide variant.
Coding change: c.11512G>C on transcript NM_006904.7 (MANE Select); coding-DNA position 11512, G replaced by C.
Protein change: p.Glu3838Gln; replaces glutamic acid 3838 with glutamine.
Molecular consequence: missense variant.
Genome position (GRCh38, 1-based): chr8:47,779,071, C>G on the plus strand (G>C on the coding strand, the complement: PRKDC is on the minus strand). VCF-style: chr8-47779071-C-G. GRCh37 (hg19) VCF-style: chr8-48691632-C-G.
Other names: c.11419G>C, p.Glu3807Gln (NM_001081640.2); short protein forms E3807Q, E3838Q.
Identifiers: ClinVar variation 643387 (VCV000643387.4), dbSNP rs1589689481, ClinGen allele CA371129194.